The following is an entry in ClinVar:

ClinVar aggregate classification (germline): Uncertain significance (1 of 4 stars; one submission).

gnomAD v4.1: 3 of 1,613,312 alleles (0.00019%); highest among the groups gnomAD compares: Non-Finnish European, 0.00025%; no homozygotes.

Submission:

Ambry Genetics
Classification: Uncertain significance. Last evaluated: 2025-03-23. Review status: criteria provided, single submitter. Criteria: Ambry Variant Classification Scheme 2023. Collection method: clinical testing. Allele origin: germline.
Comment: The p.N287I variant (also known as c.860A>T), located in coding exon 6 of the CTNNA3 gene, results from an A to T substitution at nucleotide position 860. The asparagine at codon 287 is replaced by isoleucine, an amino acid with dissimilar properties. This amino acid position is conserved. In addition, this alteration is predicted to be tolerated by in silico analysis. Based on the available evidence, the clinical significance of this variant remains unclear.

NM_013266.4(CTNNA3):c.860A>T (p.Asn287Ile)

Gene: CTNNA3 (catenin alpha 3; minus strand). Cytogenetic location: 10q21.3.
Variant type: single nucleotide variant.
Coding change: c.860A>T on transcript NM_013266.4 (MANE Select); coding-DNA position 860, A replaced by T.
Protein change: p.Asn287Ile; replaces asparagine 287 with isoleucine.
Molecular consequence: missense variant.
Genome position (GRCh38, 1-based): chr10:67,180,504, T>A on the plus strand (A>T on the coding strand, the complement: CTNNA3 is on the minus strand). VCF-style: chr10-67180504-T-A. GRCh37 (hg19) VCF-style: chr10-68940262-T-A.
Other names: c.860A>T, p.Asn287Ile (NM_001127384.3); c.896A>T, p.Asn299Ile (NM_001291133.2); short protein forms N287I, N299I.
Identifiers: ClinVar variation 4008014 (VCV004008014.1).